The following is an entry in ClinVar:

NM_002641.4(PIGA):c.1188+3A>G

Gene: PIGA (phosphatidylinositol glycan anchor biosynthesis class A; minus strand). Cytogenetic location: Xp22.2.
Variant type: single nucleotide variant.
Coding change: c.1188+3A>G on transcript NM_002641.4 (MANE Select); 3 bases into the intron after coding-DNA position 1188, A replaced by G.
Molecular consequence: intron variant.
Genome position (GRCh38, 1-based): chrX:15,324,662, T>C on the plus strand (A>G on the coding strand, the complement: PIGA is on the minus strand). VCF-style: chrX-15324662-T-C. GRCh37 (hg19) VCF-style: chrX-15342784-T-C.
Other names: c.486+3A>G (NM_020473.3).
Identifiers: ClinVar variation 2982911 (VCV002982911.3), dbSNP rs2519324514, ClinGen allele CA2740092025.
Genomic context (GRCh38, chrX:15,324,662, plus strand): 5'-AAATGTGTACGTGAAACATCAAGTAAGAGTTCAGACACAATCTTTTCTCAGCATGTGACA[T>C]ACCTTTTCAGTTCTTTCTGCAACATTCCTCCAGGTGTAGAAAGTCTTTACTATGTTATGG-3'

ClinVar aggregate classification (germline): Uncertain significance (1 of 4 stars; one submission).

Conditions:
Multiple congenital anomalies-hypotonia-seizures syndrome 2 (MCAHS2). Also called: GLYCOSYLPHOSPHATIDYLINOSITOL BIOSYNTHESIS DEFECT 4; EPILEPTIC ENCEPHALOPATHY, EARLY INFANTILE, 20. Identifiers: Orphanet 300496, MedGen C3275508, MONDO:0010466, OMIM 300868.

Submission:

Labcorp Genetics (formerly Invitae), Labcorp
Classification: Uncertain significance for Multiple congenital anomalies-hypotonia-seizures syndrome 2. Last evaluated: 2023-02-27. Review status: criteria provided, single submitter. Criteria: Invitae Variant Classification Sherloc (09022015). Collection method: clinical testing. Allele origin: germline.
Comment: In summary, the available evidence is currently insufficient to determine the role of this variant in disease. Therefore, it has been classified as a Variant of Uncertain Significance. Variants that disrupt the consensus splice site are a relatively common cause of aberrant splicing (PMID: 17576681, 9536098). Algorithms developed to predict the effect of sequence changes on RNA splicing suggest that this variant is not likely to affect RNA splicing. This variant has not been reported in the literature in individuals affected with PIGA-related conditions. This variant is not present in population databases (gnomAD no frequency). This sequence change falls in intron 5 of the PIGA gene. It does not directly change the encoded amino acid sequence of the PIGA protein. It affects a nucleotide within the consensus splice site.

Literature cited by the submitters: PubMed 17576681; PubMed 9536098.